The following is an entry in ClinVar:

ClinVar aggregate classification (germline): Likely benign. Review status: criteria provided, multiple submitters, no conflicts (2 of 4 stars). 3 submissions from 3 submitters: Likely benign (2). 1 of the submissions does not count toward it. Last evaluated 2025-06-11.

Conditions:
Blau syndrome (BLAUS). Also called: ARTHROCUTANEOUVEAL GRANULOMATOSIS; GRANULOMATOSIS, FAMILIAL JUVENILE SYSTEMIC; GRANULOMATOSIS, FAMILIAL, BLAU TYPE; GRANULOMATOUS INFLAMMATORY ARTHRITIS, DERMATITIS, AND UVEITIS, FAMILIAL; JABS SYNDROME. Identifiers: Orphanet 90340, MedGen C5201146, MONDO:0008523, OMIM 186580.
Regional enteritis. Also called: Enteritis, Granulomatous. Identifiers: MedGen C0678202, MeSH D003424.

Allele frequency attached by ClinVar (database versions not stated): ExAC 0.00002; gnomAD 0.00003; TOPMed 0.00003.
gnomAD v4.1: 44 of 1,614,052 alleles (0.0027%); highest among the groups gnomAD compares: Middle Eastern, 0.016%; no homozygotes.

Submissions (3):

Labcorp Genetics (formerly Invitae), Labcorp
Classification: Likely benign for Regional enteritis; Blau syndrome. Last evaluated: 2025-06-11. Review status: criteria provided, single submitter. Criteria: Invitae Variant Classification Sherloc (09022015). Collection method: clinical testing. Allele origin: germline.

ARUP Laboratories, Molecular Genetics and Genomics, ARUP Laboratories
Classification: Likely benign. Last evaluated: 2019-02-21. Review status: criteria provided, single submitter. Criteria: ARUP Molecular Germline Variant Investigation Process. Collection method: clinical testing. Allele origin: germline.

Unité médicale des maladies autoinflammatoires, CHRU Montpellier
No classification provided. Condition: Sarcoidosis, early-onset. Review status: no classification provided. Collection method: not provided. Allele origin: unknown. Not counted in ClinVar's aggregate classification.
Comment: also involved in OMIM 186580 and 266600

NM_001370466.1(NOD2):c.2658C>T (p.Asp886=)

Gene: NOD2 (nucleotide binding oligomerization domain containing 2; plus strand). Cytogenetic location: 16q12.1.
Variant type: single nucleotide variant.
Coding change: c.2658C>T on transcript NM_001370466.1 (MANE Select); coding-DNA position 2658, C replaced by T.
Protein change: p.Asp886=; no amino-acid change (aspartic acid 886 retained).
Molecular consequence: synonymous variant. On other transcripts: non-coding transcript variant (1).
Genome position (GRCh38, 1-based): chr16:50,722,646, C>T. VCF-style: chr16-50722646-C-T. GRCh37 (hg19) VCF-style: chr16-50756557-C-T.
Other names: c.2739C>T (LRG_177t1); c.2658C>T, p.Asp886= (NM_001293557.2); c.2739C>T, p.Asp913= (NM_022162.3).
Identifiers: ClinVar variation 97865 (VCV000097865.18), dbSNP rs104895451, ClinGen allele CA150299.